The following is an entry in ClinVar:

NM_205861.3(DHDDS):c.*623G>A

Gene: DHDDS (dehydrodolichyl diphosphate synthase subunit; plus strand). Cytogenetic location: 1p36.11.
Variant type: single nucleotide variant.
Coding change: c.*623G>A on transcript NM_205861.3 (MANE Select); 623 bases downstream of the stop codon, G replaced by A.
Molecular consequence: 3 prime UTR variant.
Genome position (GRCh38, 1-based): chr1:26,469,754, G>A. VCF-style: chr1-26469754-G-A. GRCh37 (hg19) VCF-style: chr1-26796245-G-A.
Other names: c.*623G>A (NM_001243564.2, NM_001243565.2, NM_001319959.2 and 1 more transcripts).
Identifiers: ClinVar variation 873650 (VCV000873650.4), dbSNP rs77122971, ClinGen allele CA15089332.

ClinVar aggregate classification (germline): Likely benign (1 of 4 stars; one submission).

Conditions:
Retinitis pigmentosa (RP). Identifiers: Orphanet 791, MedGen C0035334, MeSH D012174, MONDO:0019200, OMIM 268000. Inheritance: Autosomal dominant, autosomal recessive and X linked inheritance.

Allele frequency attached by ClinVar (database versions not stated): gnomAD exomes 0.00087; TOPMed 0.00964; 1000 Genomes Project 0.01198; 1000 Genomes Project 30x 0.01343.
gnomAD v4.1: 1,273 of 159,396 alleles (0.8%); highest among the groups gnomAD compares: African/African-American, 2.9%; 27 homozygotes.

Submission:

Illumina Laboratory Services, Illumina
Classification: Likely benign for Retinitis pigmentosa. Last evaluated: 2018-01-13. Review status: criteria provided, single submitter. Criteria: ICSL Variant Classification Criteria 13 December 2019. Collection method: clinical testing. Allele origin: germline.
Comment: This variant was observed in the ICSL laboratory as part of a predisposition screen in an ostensibly healthy population. It had not been previously curated by ICSL or reported in the Human Gene Mutation Database (HGMD: prior to June 1st, 2018), and was therefore a candidate for classification through an automated scoring system. Utilizing variant allele frequency, disease prevalence and penetrance estimates, and inheritance mode, an automated score was calculated to assess if this variant is too frequent to cause the disease. Based on the score and internal cut-off values, a variant classified as likely benign is not then subjected to further curation. The score for this variant resulted in a classification of likely benign for this disease.